The following is an entry in ClinVar:

ClinVar aggregate classification (germline): Conflicting classifications of pathogenicity. Review status: criteria provided, conflicting classifications (1 of 4 stars). 2 submissions from 2 submitters: Uncertain significance (1); Likely benign (1). Last evaluated 2025-09-11.

Conditions:
Inborn genetic diseases. Identifiers: MedGen C0950123, MeSH D030342.

gnomAD v4.1: 2 of 1,613,818 alleles (0.00012%); highest among the groups gnomAD compares: Middle Eastern, 0.017%; no homozygotes.

Submissions (2):

Ambry Genetics
Classification: Likely benign for Inborn genetic diseases. Last evaluated: 2025-09-11. Review status: criteria provided, single submitter. Criteria: Ambry Variant Classification Scheme 2023. Collection method: clinical testing. Allele origin: germline.

Labcorp Genetics (formerly Invitae), Labcorp
Classification: Uncertain significance. Last evaluated: 2023-06-11. Review status: criteria provided, single submitter. Criteria: Invitae Variant Classification Sherloc (09022015). Collection method: clinical testing. Allele origin: germline.
Comment: In summary, the available evidence is currently insufficient to determine the role of this variant in disease. Therefore, it has been classified as a Variant of Uncertain Significance. Advanced modeling of protein sequence and biophysical properties (such as structural, functional, and spatial information, amino acid conservation, physicochemical variation, residue mobility, and thermodynamic stability) performed at Invitae indicates that this missense variant is not expected to disrupt SAMD9 protein function. This variant has not been reported in the literature in individuals affected with SAMD9-related conditions. This variant is not present in population databases (gnomAD no frequency). This sequence change replaces leucine, which is neutral and non-polar, with phenylalanine, which is neutral and non-polar, at codon 1373 of the SAMD9 protein (p.Leu1373Phe).

NM_017654.4(SAMD9):c.4119A>C (p.Leu1373Phe)

Gene: SAMD9 (sterile alpha motif domain containing 9; minus strand). Cytogenetic location: 7q21.2.
Variant type: single nucleotide variant.
Coding change: c.4119A>C on transcript NM_017654.4 (MANE Select); coding-DNA position 4119, A replaced by C.
Protein change: p.Leu1373Phe; replaces leucine 1373 with phenylalanine.
Molecular consequence: missense variant.
Genome position (GRCh38, 1-based): chr7:93,101,979, T>G on the plus strand (A>C on the coding strand, the complement: SAMD9 is on the minus strand). VCF-style: chr7-93101979-T-G. GRCh37 (hg19) VCF-style: chr7-92731292-T-G.
Other names: c.4119A>C, p.Leu1373Phe (NM_001193307.2); c.4119A>C (NM_017654.3); short protein forms L1373F.
Identifiers: ClinVar variation 2720806 (VCV002720806.3), dbSNP rs1202526326, ClinGen allele CA368180551.
Genomic context (GRCh38, chr7:93,101,979, plus strand): 5'-AATGTTGGCCAAGATGAAATTTAGCTTTTCTTTTGACTGGATTTTGACAGTGCATTGTTC[T>G]AAGAGAAAAGTATATTCGTTCACTATACATTTCATAGTGCTTATAGCATCCTCTTGACTT-3'
Protein context (NP_060124.2, residues 1363-1383): KCIVNEYTFL[Leu1373Phe]EQCTVKIQSK